The following is an entry in ClinVar:

ClinVar aggregate classification (germline): Uncertain significance (1 of 4 stars; one submission).

Conditions:
Catecholaminergic polymorphic ventricular tachycardia 1. Also called: VENTRICULAR TACHYCARDIA, STRESS-INDUCED POLYMORPHIC 1; RYR2-Related Catecholaminergic Polymorphic Ventricular Tachycardia; VENTRICULAR TACHYCARDIA, CATECHOLAMINERGIC POLYMORPHIC, 1, WITH OR WITHOUT ATRIAL DYSFUNCTION AND/OR DILATED CARDIOMYOPATHY. Identifiers: Orphanet 3286, MedGen C1631597, MONDO:0011484, OMIM 604772.

Allele frequency attached by ClinVar (database versions not stated): ExAC 0.00001.
gnomAD v4.1: 5 of 1,613,862 alleles (0.00031%); highest among the groups gnomAD compares: South Asian, 0.0055%; no homozygotes.

Submission:

Labcorp Genetics (formerly Invitae), Labcorp
Classification: Uncertain significance for Catecholaminergic polymorphic ventricular tachycardia 1. Last evaluated: 2021-08-14. Review status: criteria provided, single submitter. Criteria: Invitae Variant Classification Sherloc (09022015). Collection method: clinical testing. Allele origin: germline.
Comment: This sequence change replaces isoleucine with methionine at codon 193 of the CASQ2 protein (p.Ile193Met). The isoleucine residue is highly conserved and there is a small physicochemical difference between isoleucine and methionine. The frequency data for this variant in the population databases is considered unreliable, as metrics indicate poor data quality at this position in the ExAC database. This variant has not been reported in the literature in individuals affected with CASQ2-related conditions. Algorithms developed to predict the effect of missense changes on protein structure and function are either unavailable or do not agree on the potential impact of this missense change (SIFT: "Deleterious"; PolyPhen-2: "Probably Damaging"; Align-GVGD: "Class C0"). In summary, the available evidence is currently insufficient to determine the role of this variant in disease. Therefore, it has been classified as a Variant of Uncertain Significance.

NM_001232.4(CASQ2):c.579C>G (p.Ile193Met)

Gene: CASQ2 (calsequestrin 2; minus strand). Cytogenetic location: 1p13.1.
Variant type: single nucleotide variant.
Coding change: c.579C>G on transcript NM_001232.4 (MANE Select); coding-DNA position 579, C replaced by G.
Protein change: p.Ile193Met; replaces isoleucine 193 with methionine.
Molecular consequence: missense variant.
Genome position (GRCh38, 1-based): chr1:115,732,928, G>C on the plus strand (C>G on the coding strand, the complement: CASQ2 is on the minus strand). VCF-style: chr1-115732928-G-C. GRCh37 (hg19) VCF-style: chr1-116275549-G-C.
Other names: short protein forms I193M.
Identifiers: ClinVar variation 2166621 (VCV002166621.1), dbSNP rs779225945, ClinGen allele CA1023862.
Genomic context (GRCh38, chr1:115,732,928, plus strand): 5'-AACTGTTCAAATTGGGGTTTCATAGGTACTTACCCCTTTGTCAAAGGTGGCAAAGAATTT[G>C]ATGTAAGGCTGGAAGTGTTCAGCTGCTTCTTCAAAAGCCTTGTAGTCTAAGGGGAAAAAT-3'
Protein context (NP_001223.2, residues 183-203): EEAAEHFQPY[Ile193Met]KFFATFDKGV